The following is an entry in ClinVar:

ClinVar aggregate classification (germline): Uncertain significance (1 of 4 stars; one submission).

Submission:

Dasa
Classification: Uncertain significance. Last evaluated: 2026-02-27. Review status: criteria provided, single submitter. Criteria: DASA Assertion Criteria. Collection method: clinical testing. Allele origin: germline.
Comment: NM_001134407.3(GRIN2A):c.1784A>C (p.His595Pro) is a missense variant that results in the substitution of histidine with proline. This variant is rare in population databases. The currently available literature and clinical evidence are not sufficient to establish a definitive association between this variant and the reported condition. Therefore, this variant is classified as a variant of uncertain significance.

NM_001134407.3(GRIN2A):c.1784A>C (p.His595Pro)

Gene: GRIN2A (glutamate ionotropic receptor NMDA type subunit 2A; minus strand). Cytogenetic location: 16p13.2.
Variant type: single nucleotide variant.
Coding change: c.1784A>C on transcript NM_001134407.3 (MANE Select); coding-DNA position 1784, A replaced by C.
Protein change: p.His595Pro; replaces histidine 595 with proline.
Molecular consequence: missense variant.
Genome position (GRCh38, 1-based): chr16:9,829,646, T>G on the plus strand (A>C on the coding strand, the complement: GRIN2A is on the minus strand). VCF-style: chr16-9829646-T-G. GRCh37 (hg19) VCF-style: chr16-9923503-T-G.
Other names: c.1784A>C, p.His595Pro (NM_000833.5, NM_001134408.2); short protein forms H595P.
Identifiers: ClinVar variation 4883183 (VCV004883183.2).